The following is an entry in ClinVar:

ClinVar aggregate classification (germline): Likely benign (1 of 4 stars; one submission).

Conditions:
BLVRA-related disorder. Also called: BLVRA-related condition.

gnomAD v4.1: 141 of 1,614,210 alleles (0.0087%); highest among the groups gnomAD compares: East Asian, 0.25%; 1 homozygote.

Submission:

PreventionGenetics, part of Exact Sciences
Classification: Likely benign for BLVRA-related condition. Last evaluated: 2026-08-17. Review status: criteria provided, single submitter. Criteria: ACMG Guidelines, 2015. Collection method: clinical testing. Allele origin: germline.
Comment: This variant is classified as likely benign based on ACMG/AMP sequence variant interpretation guidelines (Richards et al. 2015 PMID: 25741868, with internal and published modifications).

NM_000712.4(BLVRA):c.279C>T (p.His93=)

Gene: BLVRA (biliverdin reductase A; plus strand). Cytogenetic location: 7p13.
Variant type: single nucleotide variant.
Coding change: c.279C>T on transcript NM_000712.4 (MANE Select); coding-DNA position 279, C replaced by T.
Protein change: p.His93=; no amino-acid change (histidine 93 retained).
Molecular consequence: synonymous variant.
Genome position (GRCh38, 1-based): chr7:43,792,739, C>T. VCF-style: chr7-43792739-C-T. GRCh37 (hg19) VCF-style: chr7-43832338-C-T.
Other names: c.279C>T, p.His93= (NM_001253823.2).
Identifiers: ClinVar variation 4987763 (VCV004987763.1).